The following is an entry in ClinVar:

NM_182643.3(DLC1):c.4006G>C (p.Val1336Leu)

Genes: DLC1 (DLC1 Rho GTPase activating protein; minus strand), LOC126860305 (MED14-independent group 3 enhancer GRCh37_chr8:12947375-12948574; plus strand). Cytogenetic location: 8p22.
Variant type: single nucleotide variant.
Coding change: c.4006G>C on transcript NM_182643.3 (MANE Select); coding-DNA position 4006, G replaced by C.
Protein change: p.Val1336Leu; replaces valine 1336 with leucine.
Molecular consequence: missense variant. On other transcripts: intron variant (2).
Genome position (GRCh38, 1-based): chr8:13,090,320, C>G on the plus strand (G>C on the coding strand, the complement: DLC1 is on the minus strand). VCF-style: chr8-13090320-C-G. GRCh37 (hg19) VCF-style: chr8-12947829-C-G.
Other names: c.2473G>C, p.Val825Leu (NM_001348083.1, NM_001348084.2, NM_001413126.1 and 6 more transcripts); c.4006G>C, p.Val1336Leu (NM_001413124.1, NM_001348081.2); c.2788G>C, p.Val930Leu (NM_001413130.1); c.2446G>C, p.Val816Leu (NM_001413131.1, NM_001413137.1); c.2932G>C, p.Val978Leu (NM_001413132.1); c.2695G>C, p.Val899Leu (NM_001413135.1, NM_001413139.1, NM_006094.5); c.2830G>C, p.Val944Leu (NM_001413140.1); c.2646+998G>C (NM_001413129.1); and 2 more; short protein forms V1336L, V816L, V933L, V978L, V825L, V944L, V899L, V930L.
Identifiers: ClinVar variation 2758964 (VCV002758964.3), dbSNP rs1182676846, ClinGen allele CA370340824.

ClinVar aggregate classification (germline): Uncertain significance (1 of 4 stars; one submission).

Allele frequency attached by ClinVar (database versions not stated): TOPMed below 0.00001.

Submission:

Labcorp Genetics (formerly Invitae), Labcorp
Classification: Uncertain significance. Last evaluated: 2023-12-02. Review status: criteria provided, single submitter. Criteria: Invitae Variant Classification Sherloc (09022015). Collection method: clinical testing. Allele origin: germline.
Comment: This sequence change replaces valine, which is neutral and non-polar, with leucine, which is neutral and non-polar, at codon 1336 of the DLC1 protein (p.Val1336Leu). This variant is not present in population databases (gnomAD no frequency). This variant has not been reported in the literature in individuals affected with DLC1-related conditions. An algorithm developed to predict the effect of missense changes on protein structure and function (PolyPhen-2) suggests that this variant is likely to be tolerated. In summary, the available evidence is currently insufficient to determine the role of this variant in disease. Therefore, it has been classified as a Variant of Uncertain Significance.